The following is an entry in ClinVar:

ClinVar aggregate classification (germline): Likely benign. Review status: criteria provided, multiple submitters, no conflicts (2 of 4 stars). 2 submissions from 2 submitters: Likely benign (2). Last evaluated 2025-09-19.

gnomAD v4.1: 28 of 1,613,324 alleles (0.0017%); highest among the groups gnomAD compares: Admixed American, 0.012%; no homozygotes.

Submissions (2):

Mayo Clinic Laboratories, Mayo Clinic
Classification: Likely benign. Last evaluated: 2025-09-19. Review status: criteria provided, single submitter. Criteria: ACMG Guidelines, 2015. Collection method: clinical testing. Allele origin: germline. Observed: 1 variant allele.
Comment: BP4, BP7

Labcorp Genetics (formerly Invitae), Labcorp
Classification: Likely benign. Last evaluated: 2024-04-10. Review status: criteria provided, single submitter. Criteria: Invitae Variant Classification Sherloc (09022015). Collection method: clinical testing. Allele origin: germline.

NM_152328.5(ADSS1):c.834C>T (p.Gly278=)

Gene: ADSS1 (adenylosuccinate synthase 1; plus strand). Cytogenetic location: 14q32.33.
Variant type: single nucleotide variant.
Coding change: c.834C>T on transcript NM_152328.5 (MANE Select); coding-DNA position 834, C replaced by T.
Protein change: p.Gly278=; no amino-acid change (glycine 278 retained).
Molecular consequence: synonymous variant.
Genome position (GRCh38, 1-based): chr14:104,741,888, C>T. VCF-style: chr14-104741888-C-T. GRCh37 (hg19) VCF-style: chr14-105208225-C-T.
Other names: p.Gly321=; c.219C>T, p.Gly73= (NM_001320424.1); c.963C>T, p.Gly321= (NM_199165.2).
Identifiers: ClinVar variation 3610595 (VCV003610595.3).
Genomic context (GRCh38, chr14:104,741,888, plus strand): 5'-AAACCTGCTCTGTCTTGCAGGGACCTACCCCTTTGTGACTTCATCCAACTGCACCGTGGG[C>T]GGTGTGTGCACGGGCCTGGGCATCCCCCCGCAGAACATAGGTGACGTGTATGGCGTGGTG-3'
Protein context (NP_689541.1, residues 268-288): PFVTSSNCTV[Gly278=]GVCTGLGIPP